The following is an entry in ClinVar:

ClinVar aggregate classification (germline): Uncertain significance. Review status: criteria provided, multiple submitters, no conflicts (2 of 4 stars). 2 submissions from 2 submitters: Uncertain significance (2). Last evaluated 2023-05-05.

Conditions:
FLNC-related disorder. Also called: FLNC-related condition; FLNC-related disorders.
Myofibrillar myopathy 5. Also called: Filaminopathy (type); FILAMINOPATHY, AUTOSOMAL DOMINANT. Identifiers: Orphanet 171445, MedGen C1836050, MONDO:0012289, OMIM 609524.
Dilated Cardiomyopathy, Dominant.
Distal myopathy with posterior leg and anterior hand involvement. Also called: WILLIAMS DISTAL MYOPATHY. Identifiers: Orphanet 63273, MedGen C3279722, MONDO:0013550, OMIM 614065.
Hypertrophic cardiomyopathy 26. Also called: Cardiomyopathy, familial hypertrophic, 26. Identifiers: OMIM 617047, Orphanet 75249, MedGen C4310749, MONDO:0014883.

Allele frequency attached by ClinVar (database versions not stated): TOPMed below 0.00001; gnomAD 0.00001.
gnomAD v4.1: 34 of 1,612,946 alleles (0.0021%); highest among the groups gnomAD compares: Non-Finnish European, 0.0028%; no homozygotes.

Submissions (2):

PreventionGenetics, part of Exact Sciences
Classification: Uncertain significance for FLNC-related condition. Last evaluated: 2023-05-05. Review status: criteria provided, single submitter. Criteria: ACMG Guidelines, 2015. Collection method: clinical testing. Allele origin: germline.
Comment: The FLNC c.272A>G variant is predicted to result in the amino acid substitution p.Asn91Ser. To our knowledge, this variant has not been reported in the literature or in a large population database, indicating this variant is rare. At this time, the clinical significance of this variant is uncertain due to the absence of conclusive functional and genetic evidence.

Labcorp Genetics (formerly Invitae), Labcorp
Classification: Uncertain significance for Distal myopathy with posterior leg and anterior hand involvement; Myofibrillar myopathy 5; Hypertrophic cardiomyopathy 26. Last evaluated: 2023-02-16. Review status: criteria provided, single submitter. Criteria: Invitae Variant Classification Sherloc (09022015). Collection method: clinical testing. Allele origin: germline.
Comment: This sequence change replaces asparagine, which is neutral and polar, with serine, which is neutral and polar, at codon 91 of the FLNC protein (p.Asn91Ser). This variant is not present in population databases (gnomAD no frequency). This variant has not been reported in the literature in individuals affected with FLNC-related conditions. Advanced modeling of protein sequence and biophysical properties (such as structural, functional, and spatial information, amino acid conservation, physicochemical variation, residue mobility, and thermodynamic stability) has been performed at Invitae for this missense variant, however the output from this modeling did not meet the statistical confidence thresholds required to predict the impact of this variant on FLNC protein function. In summary, the available evidence is currently insufficient to determine the role of this variant in disease. Therefore, it has been classified as a Variant of Uncertain Significance.

NM_001458.5(FLNC):c.272A>G (p.Asn91Ser)

Gene: FLNC (filamin C; plus strand). Cytogenetic location: 7q32.1.
Variant type: single nucleotide variant.
Coding change: c.272A>G on transcript NM_001458.5 (MANE Select); coding-DNA position 272, A replaced by G.
Protein change: p.Asn91Ser; replaces asparagine 91 with serine.
Molecular consequence: missense variant.
Genome position (GRCh38, 1-based): chr7:128,830,909, A>G. VCF-style: chr7-128830909-A-G. GRCh37 (hg19) VCF-style: chr7-128470963-A-G.
Other names: c.272A>G, p.Asn91Ser (NM_001127487.2); short protein forms N91S.
Identifiers: ClinVar variation 2632959 (VCV002632959.2), dbSNP rs886042565, ClinGen allele CA369216745.